The following is an entry in ClinVar:

NM_005157.6(ABL1):c.109T>G (p.Phe37Val)

Genes: ABL1 (ABL proto-oncogene 1, non-receptor tyrosine kinase; plus strand), LOC107980440 (ABL breakpoint recombination region; plus strand). Cytogenetic location: 9q34.12.
Variant type: single nucleotide variant.
Coding change: c.109T>G on transcript NM_005157.6 (MANE Select); coding-DNA position 109, T replaced by G.
Protein change: p.Phe37Val; replaces phenylalanine 37 with valine.
Molecular consequence: missense variant.
Genome position (GRCh38, 1-based): chr9:130,854,093, T>G. VCF-style: chr9-130854093-T-G. GRCh37 (hg19) VCF-style: chr9-133729480-T-G.
Other names: c.166T>G, p.Phe56Val (NM_007313.3); short protein forms F56V, F37V.
Identifiers: ClinVar variation 1469549 (VCV001469549.7), dbSNP rs1830934244, ClinGen allele CA375256333.

ClinVar aggregate classification (germline): Conflicting classifications of pathogenicity. Review status: criteria provided, conflicting classifications (1 of 4 stars). 2 submissions from 2 submitters: Uncertain significance (1); Likely benign (1). Last evaluated 2021-08-24.

Allele frequency attached by ClinVar (database versions not stated): gnomAD exomes below 0.00001; gnomAD 0.00001.
gnomAD v4.1: 5 of 1,614,136 alleles (0.00031%); highest among the groups gnomAD compares: Middle Eastern, 0.033%; no homozygotes.

Submissions (2):

Labcorp Genetics (formerly Invitae), Labcorp
Classification: Uncertain significance. Last evaluated: 2021-08-24. Review status: criteria provided, single submitter. Criteria: Invitae Variant Classification Sherloc (09022015). Collection method: clinical testing. Allele origin: germline.
Comment: This sequence change replaces phenylalanine with valine at codon 56 of the ABL1 protein (p.Phe56Val). The phenylalanine residue is moderately conserved and there is a small physicochemical difference between phenylalanine and valine. This variant is not present in population databases (ExAC no frequency). In summary, the available evidence is currently insufficient to determine the role of this variant in disease. Therefore, it has been classified as a Variant of Uncertain Significance. Advanced modeling of protein sequence and biophysical properties (such as structural, functional, and spatial information, amino acid conservation, physicochemical variation, residue mobility, and thermodynamic stability) performed at Invitae indicates that this missense variant is not expected to disrupt ABL1 protein function. This variant has not been reported in the literature in individuals affected with ABL1-related conditions.

Blueprint Genetics
Classification: Likely benign. Last evaluated: 2021-06-03. Review status: criteria provided, single submitter. Criteria: ACMG Guidelines, 2015. Collection method: clinical testing. Allele origin: germline.